The following is an entry in ClinVar:

ClinVar aggregate classification (germline): Pathogenic (1 of 4 stars; one submission).

Conditions:
Rare genetic deafness. Identifiers: Orphanet 96210, MedGen C5680250.

Submission:

Laboratory for Molecular Medicine, Mass General Brigham Personalized Medicine
Classification: Pathogenic for Rare genetic deafness. Last evaluated: 2016-02-26. Review status: criteria provided, single submitter. Criteria: LMM Criteria. Collection method: clinical testing. Allele origin: germline. Inheritance: Autosomal recessive inheritance. Observed: 3 variant alleles.
Comment: The p.Lys2213fs variant in USH2A has not been previously reported in individuals with hearing loss or Usher syndrome in any other family or in large population studies. This variant is predicted to cause a frameshift, which alters the prote in?s amino acid sequence beginning at position 2213 and leads to a premature ter mination codon 16 amino acids downstream. This alteration is then predicted to l ead to a truncated or absent protein. Loss of function of the USH2A gene is an e stablished disease mechanism in Usher syndrome. In summary, this variant meets c riteria to be classified as pathogenic for autosomal recessive Usher syndrome ba sed on the predicted impact of the variant on the protein.

NM_206933.4(USH2A):c.6639del (p.Lys2213fs)

Gene: USH2A (usherin; minus strand). Cytogenetic location: 1q41.
Variant type: Deletion.
Coding change: c.6639del on transcript NM_206933.4 (MANE Select); coding-DNA position 6639, one base deleted (A; older notation c.6639delA).
Protein change: p.Lys2213fs; shifts the reading frame from lysine 2213.
Molecular consequence: frameshift variant.
Genome position (GRCh38, 1-based): chr1:215,998,905, T deleted on the plus strand (A on the coding strand, the reverse complement: USH2A is on the minus strand); the first of 3 consecutive T bases (chr1:215,998,905-215,998,907); deleting any one gives the same sequence. VCF-style (leftmost placement, unchanged base first): chr1-215998904-AT-A. GRCh37 (hg19) VCF-style: chr1-216172246-AT-A.
Other names: short protein forms K2213fs.
Identifiers: ClinVar variation 228415 (VCV000228415.5), dbSNP rs876657732, ClinGen allele CA10576381.